The following is an entry in ClinVar:

NM_001854.4(COL11A1):c.121G>A (p.Val41Ile)

Gene: COL11A1 (collagen type XI alpha 1 chain; minus strand). Cytogenetic location: 1p21.1.
Variant type: single nucleotide variant.
Coding change: c.121G>A on transcript NM_001854.4 (MANE Select); coding-DNA position 121, G replaced by A.
Protein change: p.Val41Ile; replaces valine 41 with isoleucine.
Molecular consequence: missense variant. On other transcripts: non-coding transcript variant (1).
Genome position (GRCh38, 1-based): chr1:103,082,958, C>T on the plus strand (G>A on the coding strand, the complement: COL11A1 is on the minus strand). VCF-style: chr1-103082958-C-T. GRCh37 (hg19) VCF-style: chr1-103548514-C-T.
Other names: c.121G>A, p.Val41Ile (NM_001168249.1, NM_001190709.2, NM_080629.3 and 1 more transcripts); short protein forms V41I.
Identifiers: ClinVar variation 1723079 (VCV001723079.2), dbSNP rs751641017, ClinGen allele CA975548.

ClinVar aggregate classification (germline): Uncertain significance (1 of 4 stars; one submission).

Allele frequency attached by ClinVar (database versions not stated): gnomAD exomes below 0.00001; TOPMed below 0.00001; ExAC 0.00001.

Submission:

GeneDx
Classification: Uncertain significance. Last evaluated: 2022-05-03. Review status: criteria provided, single submitter. Criteria: GeneDx Variant Classification Process June 2021. Collection method: clinical testing. Allele origin: germline. Affected: yes.
Comment: Not observed at significant frequency in large population cohorts (gnomAD); In silico analysis supports that this missense variant does not alter protein structure/function; Has not been previously published as pathogenic or benign to our knowledge